The following is an entry in ClinVar:

ClinVar aggregate classification (germline): Uncertain significance. Review status: criteria provided, multiple submitters, no conflicts (2 of 4 stars). 4 submissions from 4 submitters: Uncertain significance (4). Last evaluated 2025-08-11.

Conditions:
Inborn genetic diseases. Identifiers: MedGen C0950123, MeSH D030342.
Episodic ataxia type 6. Identifiers: Orphanet 209967, MedGen C2675211, MONDO:0012982, OMIM 612656.

Allele frequency attached by ClinVar (database versions not stated): gnomAD exomes below 0.00001; gnomAD 0.00001; TOPMed 0.00001; ESP Exome Variant Server 0.00008.
gnomAD v4.1: 4 of 1,614,036 alleles (0.00025%); highest among the groups gnomAD compares: Non-Finnish European, 0.00034%; no homozygotes.

Submissions (4):

Ambry Genetics
Classification: Uncertain significance for Inborn genetic diseases. Last evaluated: 2025-08-11. Review status: criteria provided, single submitter. Criteria: Ambry Variant Classification Scheme 2023. Collection method: clinical testing. Allele origin: germline.

Labcorp Genetics (formerly Invitae), Labcorp
Classification: Uncertain significance. Last evaluated: 2022-08-03. Review status: criteria provided, single submitter. Criteria: Invitae Variant Classification Sherloc (09022015). Collection method: clinical testing. Allele origin: germline.
Comment: This variant is not present in population databases (gnomAD no frequency). This sequence change replaces isoleucine, which is neutral and non-polar, with threonine, which is neutral and polar, at codon 257 of the SLC1A3 protein (p.Ile257Thr). This variant has not been reported in the literature in individuals affected with SLC1A3-related conditions. In summary, the available evidence is currently insufficient to determine the role of this variant in disease. Therefore, it has been classified as a Variant of Uncertain Significance. Algorithms developed to predict the effect of missense changes on protein structure and function are either unavailable or do not agree on the potential impact of this missense change (SIFT: "Deleterious"; PolyPhen-2: "Probably Damaging"; Align-GVGD: "Class C0"). ClinVar contains an entry for this variant (Variation ID: 994971).

Athena Diagnostics
Classification: Uncertain significance. Last evaluated: 2020-03-20. Review status: criteria provided, single submitter. Criteria: Athena Diagnostics Criteria. Collection method: clinical testing. Allele origin: unknown.

Revvity Omics, Revvity
Classification: Uncertain significance for Episodic ataxia type 6. Last evaluated: 2019-10-29. Review status: criteria provided, single submitter. Criteria: ACMG Guidelines, 2015. Collection method: clinical testing. Allele origin: germline.

NM_004172.5(SLC1A3):c.770T>C (p.Ile257Thr)

Genes: SLC1A3 (solute carrier family 1 member 3; plus strand), SLC1A3-AS1 (SLC1A3 antisense RNA 1; minus strand). Cytogenetic location: 5p13.2.
Variant type: single nucleotide variant.
Coding change: c.770T>C on transcript NM_004172.5 (MANE Select); coding-DNA position 770, T replaced by C.
Protein change: p.Ile257Thr; replaces isoleucine 257 with threonine.
Molecular consequence: missense variant. On other transcripts: intron variant (1).
Genome position (GRCh38, 1-based): chr5:36,677,094, T>C. VCF-style: chr5-36677094-T-C. GRCh37 (hg19) VCF-style: chr5-36677196-T-C.
Other names: c.770T>C, p.Ile257Thr (NM_001166695.3); c.632T>C, p.Ile211Thr (NM_001289939.2); c.525-2533T>C (NM_001289940.2); short protein forms I211T, I257T.
Identifiers: ClinVar variation 994971 (VCV000994971.9), dbSNP rs145397429, ClinGen allele CA117053926.